The following is an entry in ClinVar:

ClinVar aggregate classification (germline): Likely benign. Review status: criteria provided, multiple submitters, no conflicts (2 of 4 stars). 4 submissions from 4 submitters: Likely benign (3). 1 of the submissions does not count toward it. Last evaluated 2024-10-25.

Conditions:
Neuropathy, hereditary sensory, type 2C. Also called: Hereditary sensory and autonomic neuropathy type IIC; KIF1A-Related HSAN2 (HSAN2C). Identifiers: Orphanet 970, MedGen C3280168, MONDO:0013634, OMIM 614213.
Intellectual disability, autosomal dominant 9 (NESCAVS). Also called: KIF1A-Related Neurodevelopmental Disorder; NESCAV SYNDROME. Identifiers: Orphanet 662367, MedGen C5393830, MONDO:0013656, OMIM 614255.
Hereditary spastic paraplegia 30. Identifiers: Orphanet 101010, MedGen C5235139, MONDO:0012476.
KIF1A-related disorder. Also called: KIF1A-related disorders; KIF1A-related condition.
Inborn genetic diseases. Identifiers: MedGen C0950123, MeSH D030342.

Allele frequency attached by ClinVar (database versions not stated): gnomAD exomes below 0.00001 and 0.00001; ExAC 0.00001; gnomAD 0.00001; TOPMed 0.00002.
gnomAD v4.1: 18 of 1,613,502 alleles (0.0011%); highest among the groups gnomAD compares: Middle Eastern, 0.016%; no homozygotes.

Submissions (4):

Labcorp Genetics (formerly Invitae), Labcorp
Classification: Likely benign for Hereditary spastic paraplegia 30; Neuropathy, hereditary sensory, type 2C; Intellectual disability, autosomal dominant 9. Last evaluated: 2024-10-25. Review status: criteria provided, single submitter. Criteria: Invitae Variant Classification Sherloc (09022015). Collection method: clinical testing. Allele origin: germline.

Blueprint Genetics
Classification: Likely benign. Last evaluated: 2022-05-31. Review status: criteria provided, single submitter. Criteria: ACMG Guidelines, 2015. Collection method: clinical testing. Allele origin: germline.

Ambry Genetics
Classification: Likely benign for Inborn genetic diseases. Last evaluated: 2016-04-20. Review status: criteria provided, single submitter. Criteria: Ambry Variant Classification Scheme 2023. Collection method: clinical testing. Allele origin: germline.

PreventionGenetics, part of Exact Sciences
Classification: Likely benign for KIF1A-related condition. Last evaluated: 2019-05-15. Review status: no assertion criteria provided. Collection method: clinical testing. Allele origin: germline. Not counted in ClinVar's aggregate classification.
Comment: This variant is classified as likely benign based on ACMG/AMP sequence variant interpretation guidelines (Richards et al. 2015 PMID: 25741868, with internal and published modifications).

NM_001244008.2(KIF1A):c.693C>T (p.Asp231=)

Gene: KIF1A (kinesin family member 1A; minus strand). Cytogenetic location: 2q37.3.
Variant type: single nucleotide variant.
Coding change: c.693C>T on transcript NM_001244008.2 (MANE Select); coding-DNA position 693, C replaced by T.
Protein change: p.Asp231=; no amino-acid change (aspartic acid 231 retained).
Molecular consequence: synonymous variant.
Genome position (GRCh38, 1-based): chr2:240,785,016, G>A on the plus strand (C>T on the coding strand, the complement: KIF1A is on the minus strand). VCF-style: chr2-240785016-G-A. GRCh37 (hg19) VCF-style: chr2-241724433-G-A.
Other names: c.693C>T, p.Asp231= (NM_001320705.2, NM_001330289.2, NM_001330290.2 and 20 more transcripts); c.693C>T (NM_001244008.1).
Identifiers: ClinVar variation 532907 (VCV000532907.18), dbSNP rs772411022, ClinGen allele CA2208703.